The following is an entry in ClinVar:

NM_198253.3(TERT):c.2583-2A>T

Gene: TERT (telomerase reverse transcriptase; minus strand). Cytogenetic location: 5p15.33.
Variant type: single nucleotide variant.
Coding change: c.2583-2A>T on transcript NM_198253.3 (MANE Select); the canonical splice acceptor site of the intron before coding-DNA position 2583, A replaced by T.
Molecular consequence: splice acceptor variant.
Genome position (GRCh38, 1-based): chr5:1,266,537, T>A on the plus strand (A>T on the coding strand, the complement: TERT is on the minus strand). VCF-style: chr5-1266537-T-A. GRCh37 (hg19) VCF-style: chr5-1266652-T-A.
Other names: c.2583-2A>T (NM_001193376.3).
Identifiers: ClinVar variation 1686800 (VCV001686800.9), dbSNP rs111576740, ClinGen allele CA359073375.
Genomic context (GRCh38, chr5:1,266,537, plus strand): 5'-TCGCGTGGGTGAGGTGAGGTGTCACCAACAAGAAATCATCCACCAAACGCAGGAGCAGCC[T>A]AAAATAAGGGAAAATACACAGCAAGGTTAACTTTACACTTTTTACGTAGTATCTGTCTAC-3'

ClinVar aggregate classification (germline): Pathogenic/Likely pathogenic. Review status: criteria provided, single submitter (1 of 4 stars). 2 submissions from 1 submitter: Pathogenic (1); Likely pathogenic (1). Last evaluated 2022-06-09.

Conditions:
Pulmonary fibrosis. Identifiers: MedGen C0034069, MONDO:0002771, HP:0002206.
Pulmonary fibrosis and/or bone marrow failure, Telomere-related, 1. Also called: PULMONARY FIBROSIS AND/OR BONE MARROW FAILURE SYNDROME, TELOMERE-RELATED, 1. Identifiers: Orphanet 88, MedGen C3553617, MONDO:0013878, OMIM 614742.

Submissions (2):

Garcia Pulmonary Genetics Research Laboratory, Columbia University Irving Medical Center
Classification: Pathogenic for Pulmonary fibrosis. Last evaluated: 2022-06-09. Review status: criteria provided, single submitter. Criteria: ACMG Guidelines, 2015. Collection method: research. Allele origin: germline. Affected: yes.
Comment: Pathogenic criteria: null variant (PVS1) with functional study supportive of damaging effect (PS3): leukocyte telomere length (by qPCR) less than 10th percentile age-adjusted

Garcia Pulmonary Genetics Research Laboratory, Columbia University Irving Medical Center
Classification: Likely pathogenic for Pulmonary fibrosis and/or bone marrow failure, Telomere-related, 1. Last evaluated: 2022-05-19. Review status: criteria provided, single submitter. Criteria: ACMG Guidelines, 2015. Collection method: research. Allele origin: germline. Affected: yes. Observed: 1 variant allele.